The following is an entry in ClinVar:

NM_000350.3(ABCA4):c.6319C>A (p.Arg2107Ser)

Gene: ABCA4 (ATP binding cassette subfamily A member 4; minus strand). Cytogenetic location: 1p22.1.
Variant type: single nucleotide variant.
Coding change: c.6319C>A on transcript NM_000350.3 (MANE Select); coding-DNA position 6319, C replaced by A.
Protein change: p.Arg2107Ser; replaces arginine 2107 with serine.
Molecular consequence: missense variant.
Genome position (GRCh38, 1-based): chr1:94,001,069, G>T on the plus strand (C>A on the coding strand, the complement: ABCA4 is on the minus strand). VCF-style: chr1-94001069-G-T. GRCh37 (hg19) VCF-style: chr1-94466625-G-T.
Other names: c.6097C>A, p.Arg2033Ser (NM_001425324.1); short protein forms R2107S, R2033S.
Identifiers: ClinVar variation 497254 (VCV000497254.8), dbSNP rs2297669, ClinGen allele CA26831758.

ClinVar aggregate classification (germline): Conflicting classifications of pathogenicity. Review status: criteria provided, conflicting classifications (1 of 4 stars). 2 submissions from 2 submitters: Likely pathogenic (1); Uncertain significance (1). Last evaluated 2023-10-08.

Submissions (2):

Labcorp Genetics (formerly Invitae), Labcorp
Classification: Likely pathogenic. Last evaluated: 2023-10-08. Review status: criteria provided, single submitter. Criteria: Invitae Variant Classification Sherloc (09022015). Collection method: clinical testing. Allele origin: germline.
Comment: This sequence change replaces arginine, which is basic and polar, with serine, which is neutral and polar, at codon 2107 of the ABCA4 protein (p.Arg2107Ser). This variant is not present in population databases (gnomAD no frequency). This variant has not been reported in the literature in individuals affected with ABCA4-related conditions. ClinVar contains an entry for this variant (Variation ID: 497254). Advanced modeling of protein sequence and biophysical properties (such as structural, functional, and spatial information, amino acid conservation, physicochemical variation, residue mobility, and thermodynamic stability) performed at Invitae indicates that this missense variant is expected to disrupt ABCA4 protein function. This variant disrupts the p.Arg2107 amino acid residue in ABCA4. Other variant(s) that disrupt this residue have been determined to be pathogenic (PMID: 11527935, 23143460, 29310964, 29925512, 30718709). This suggests that this residue is clinically significant, and that variants that disrupt this residue are likely to be disease-causing. In summary, the currently available evidence indicates that the variant is pathogenic, but additional data are needed to prove that conclusively. Therefore, this variant has been classified as Likely Pathogenic.

Eurofins Ntd Llc (ga)
Classification: Uncertain significance. Last evaluated: 2016-11-21. Review status: criteria provided, single submitter. Criteria: EGL Classification Definitions 2015. Collection method: clinical testing. Allele origin: germline. Observed: 1 variant allele, 1 heterozygote.

Literature cited by the submitters: PubMed 11527935 (cited by Labcorp Genetics (formerly Invitae), Labcorp); PubMed 23143460 (cited by Labcorp Genetics (formerly Invitae), Labcorp); PubMed 29310964 (cited by Labcorp Genetics (formerly Invitae), Labcorp); PubMed 29925512 (cited by Labcorp Genetics (formerly Invitae), Labcorp); PubMed 30718709 (cited by Labcorp Genetics (formerly Invitae), Labcorp).